The following is an entry in ClinVar:

NM_005559.4(LAMA1):c.3838G>A (p.Gly1280Arg)

Gene: LAMA1 (laminin subunit alpha 1; minus strand). Cytogenetic location: 18p11.31.
Variant type: single nucleotide variant.
Coding change: c.3838G>A on transcript NM_005559.4 (MANE Select); coding-DNA position 3838, G replaced by A.
Protein change: p.Gly1280Arg; replaces glycine 1280 with arginine.
Molecular consequence: missense variant.
Genome position (GRCh38, 1-based): chr18:7,010,235, C>T on the plus strand (G>A on the coding strand, the complement: LAMA1 is on the minus strand). VCF-style: chr18-7010235-C-T. GRCh37 (hg19) VCF-style: chr18-7010234-C-T.
Other names: short protein forms G1280R.
Identifiers: ClinVar variation 1194548 (VCV001194548.5), dbSNP rs761791387, ClinGen allele CA8882132.

ClinVar aggregate classification (germline): Uncertain significance. Review status: criteria provided, multiple submitters, no conflicts (2 of 4 stars). 2 submissions from 2 submitters: Uncertain significance (2). Last evaluated 2021-05-01.

Conditions:
Inborn genetic diseases. Identifiers: MedGen C0950123, MeSH D030342.

Allele frequency attached by ClinVar (database versions not stated): gnomAD 0.00001 and 0.00003; TOPMed 0.00001; gnomAD exomes 0.00009 and 0.00013; ExAC 0.00015.
gnomAD v4.1: 129 of 1,614,050 alleles (0.008%); highest among the groups gnomAD compares: South Asian, 0.13%; no homozygotes.

Submissions (2):

Ambry Genetics
Classification: Uncertain significance for Inborn genetic diseases. Last evaluated: 2021-05-01. Review status: criteria provided, single submitter. Criteria: Ambry Variant Classification Scheme 2023. Collection method: clinical testing. Allele origin: germline.

GeneDx
Classification: Uncertain significance. Last evaluated: 2021-02-17. Review status: criteria provided, single submitter. Criteria: GeneDx Variant Classification Process June 2021. Collection method: clinical testing. Allele origin: germline. Affected: yes.
Comment: In silico analysis supports that this missense variant has a deleterious effect on protein structure/function; Has not been previously published as pathogenic or benign to our knowledge